The following is an entry in ClinVar:

ClinVar aggregate classification (germline): Uncertain significance (1 of 4 stars; one submission).

Conditions:
Baller-Gerold syndrome (BGS). Also called: CRANIOSYNOSTOSIS WITH RADIAL DEFECTS. Identifiers: Orphanet 1225, MedGen C0265308, MONDO:0009039, OMIM 218600.

Allele frequency attached by ClinVar (database versions not stated): gnomAD 0.00001; TOPMed 0.00001.
gnomAD v4.1: 5 of 1,610,366 alleles (0.00031%); no homozygotes.

Submission:

Labcorp Genetics (formerly Invitae), Labcorp
Classification: Uncertain significance for Baller-Gerold syndrome. Last evaluated: 2024-02-16. Review status: criteria provided, single submitter. Criteria: Invitae Variant Classification Sherloc (09022015). Collection method: clinical testing. Allele origin: germline.
Comment: This sequence change falls in intron 19 of the RECQL4 gene. It does not directly change the encoded amino acid sequence of the RECQL4 protein. It affects a nucleotide within the consensus splice site. This variant is not present in population databases (gnomAD no frequency). This variant has not been reported in the literature in individuals affected with RECQL4-related conditions. ClinVar contains an entry for this variant (Variation ID: 459475). Variants that disrupt the consensus splice site are a relatively common cause of aberrant splicing (PMID: 17576681, 9536098). Algorithms developed to predict the effect of sequence changes on RNA splicing suggest that this variant may disrupt the consensus splice site. In summary, the available evidence is currently insufficient to determine the role of this variant in disease. Therefore, it has been classified as a Variant of Uncertain Significance.

Literature cited by the submitters: PubMed 17576681; PubMed 9536098.

NM_004260.4(RECQL4):c.3393+5G>A

Gene: RECQL4 (RecQ like helicase 4; minus strand). Cytogenetic location: 8q24.3.
Variant type: single nucleotide variant.
Coding change: c.3393+5G>A on transcript NM_004260.4 (MANE Select); 5 bases into the intron after coding-DNA position 3393, G replaced by A.
Molecular consequence: intron variant.
Genome position (GRCh38, 1-based): chr8:144,511,906, C>T on the plus strand (G>A on the coding strand, the complement: RECQL4 is on the minus strand). VCF-style: chr8-144511906-C-T. GRCh37 (hg19) VCF-style: chr8-145737289-C-T.
Identifiers: ClinVar variation 459475 (VCV000459475.6), dbSNP rs1214839248, ClinGen allele CA372667835.